The following is an entry in ClinVar:

NM_000217.3(KCNA1):c.404G>C (p.Gly135Ala)

Gene: KCNA1 (potassium voltage-gated channel subfamily A member 1; plus strand). Cytogenetic location: 12p13.32.
Variant type: single nucleotide variant.
Coding change: c.404G>C on transcript NM_000217.3 (MANE Select); coding-DNA position 404, G replaced by C.
Protein change: p.Gly135Ala; replaces glycine 135 with alanine.
Molecular consequence: missense variant.
Genome position (GRCh38, 1-based): chr12:4,911,782, G>C. VCF-style: chr12-4911782-G-C. GRCh37 (hg19) VCF-style: chr12-5020948-G-C.
Other names: c.404G>C (NM_000217.2); short protein forms G135A.
Identifiers: ClinVar variation 1463239 (VCV001463239.9), dbSNP rs1947353268, ClinGen allele CA383454489.
Genomic context (GRCh38, chr12:4,911,782, plus strand): 5'-AGGAGATCAAGTTTTACGAGTTGGGCGAGGAGGCCATGGAGAAGTTCCGGGAGGACGAGG[G>C]CTTCATCAAGGAGGAGGAGCGCCCTCTGCCCGAGAAGGAGTACCAGCGCCAGGTGTGGCT-3'
Protein context (NP_000208.2, residues 125-145): EAMEKFREDE[Gly135Ala]FIKEEERPLP

ClinVar aggregate classification (germline): Uncertain significance. Review status: criteria provided, multiple submitters, no conflicts (2 of 4 stars). 2 submissions from 2 submitters: Uncertain significance (2). Last evaluated 2025-01-06.

Conditions:
Episodic ataxia type 1 (EA1). Also called: Episodic ataxia/myokymia syndrome; MYOKYMIA WITH PERIODIC ATAXIA; PAROXYSMAL ATAXIA WITH NEUROMYOTONIA, HEREDITARY; ATAXIA, EPISODIC, WITH MYOKYMIA. Identifiers: Orphanet 37612, Orphanet 972, MedGen C1719788, MONDO:0008047, OMIM 160120.

Allele frequency attached by ClinVar (database versions not stated): TOPMed below 0.00001; gnomAD 0.00001.
gnomAD v4.1: 1 of 1,613,896 alleles (0.000062%); highest among the groups gnomAD compares: African/African-American, 0.0013%; no homozygotes.

Submissions (2):

Labcorp Genetics (formerly Invitae), Labcorp
Classification: Uncertain significance for Episodic ataxia type 1. Last evaluated: 2025-01-06. Review status: criteria provided, single submitter. Criteria: Invitae Variant Classification Sherloc (09022015). Collection method: clinical testing. Allele origin: germline.
Comment: This sequence change replaces glycine, which is neutral and non-polar, with alanine, which is neutral and non-polar, at codon 135 of the KCNA1 protein (p.Gly135Ala). This variant is not present in population databases (gnomAD no frequency). This variant has not been reported in the literature in individuals affected with KCNA1-related conditions. ClinVar contains an entry for this variant (Variation ID: 1463239). Invitae Evidence Modeling of protein sequence and biophysical properties (such as structural, functional, and spatial information, amino acid conservation, physicochemical variation, residue mobility, and thermodynamic stability) indicates that this missense variant is expected to disrupt KCNA1 protein function with a positive predictive value of 95%. In summary, the available evidence is currently insufficient to determine the role of this variant in disease. Therefore, it has been classified as a Variant of Uncertain Significance.

GeneDx
Classification: Uncertain significance. Last evaluated: 2023-06-15. Review status: criteria provided, single submitter. Criteria: GeneDx Variant Classification Process June 2021. Collection method: clinical testing. Allele origin: germline. Affected: yes.
Comment: Not observed at significant frequency in large population cohorts (gnomAD); In silico analysis supports that this missense variant has a deleterious effect on protein structure/function; Has not been previously published as pathogenic or benign to our knowledge